The following is an entry in ClinVar:

NM_001363711.2(DUOX2):c.2852-2A>G

Gene: DUOX2 (dual oxidase 2; minus strand). Cytogenetic location: 15q21.1.
Variant type: single nucleotide variant.
Coding change: c.2852-2A>G on transcript NM_001363711.2 (MANE Select); the canonical splice acceptor site of the intron before coding-DNA position 2852, A replaced by G.
Molecular consequence: splice acceptor variant.
Genome position (GRCh38, 1-based): chr15:45,101,276, T>C on the plus strand (A>G on the coding strand, the complement: DUOX2 is on the minus strand). VCF-style: chr15-45101276-T-C. GRCh37 (hg19) VCF-style: chr15-45393474-T-C.
Other names: c.2852-2A>G (NM_014080.5, NM_014080.4).
Identifiers: ClinVar variation 3577189 (VCV003577189.5).

ClinVar aggregate classification (germline): Conflicting classifications of pathogenicity. Review status: criteria provided, conflicting classifications (1 of 4 stars). 4 submissions from 4 submitters: Likely pathogenic (3); Uncertain significance (1). Last evaluated 2026-03-15.

Conditions:
Thyroid dyshormonogenesis 6 (TDH6). Also called: THYROID HORMONOGENESIS, GENETIC DEFECT IN, 6; HYPOTHYROIDISM, CONGENITAL, DUE TO DYSHORMONOGENESIS, 6; Genetic transient congenital hypothyroidism. Identifiers: Orphanet 226316, Orphanet 95716, MedGen C1846632, MONDO:0011792, OMIM 607200.
DUOX2-related disorders.

gnomAD v4.1: 3 of 1,612,382 alleles (0.00019%); highest among the groups gnomAD compares: Admixed American, 0.0017%; no homozygotes.

Submissions (4):

GeneDx
Classification: Uncertain significance. Last evaluated: 2026-03-15. Review status: criteria provided, single submitter. Criteria: GeneDx Variant Classification Process June 2021. Collection method: clinical testing. Allele origin: germline.
Comment: Identified in a patient with growth hormone deficiency in published literature (PMID: 33729509); Canonical splice site variant predicted to result in a null allele in a gene for which loss of function is a known mechanism of disease; This variant is associated with the following publications: (PMID: 34200080, 33729509)

Labcorp Genetics (formerly Invitae), Labcorp
Classification: Likely pathogenic. Last evaluated: 2024-08-06. Review status: criteria provided, single submitter. Criteria: Invitae Variant Classification Sherloc (09022015). Collection method: clinical testing. Allele origin: germline.
Comment: This sequence change affects an acceptor splice site in intron 21 of the DUOX2 gene. It is expected to disrupt RNA splicing. Variants that disrupt the donor or acceptor splice site typically lead to a loss of protein function (PMID: 16199547), and loss-of-function variants in DUOX2 are known to be pathogenic (PMID: 12110737, 18765513, 21565790, 24423310, 24735383). This variant is present in population databases (no rsID available, gnomAD no frequency). Disruption of this splice site has been observed in individual(s) with growth hormone deficiency (PMID: 33729509). Algorithms developed to predict the effect of sequence changes on RNA splicing suggest that this variant may disrupt the consensus splice site. In summary, the currently available evidence indicates that the variant is pathogenic, but additional data are needed to prove that conclusively. Therefore, this variant has been classified as Likely Pathogenic.

Fulgent Genetics
Classification: Likely pathogenic for Thyroid dyshormonogenesis 6. Last evaluated: 2024-03-12. Review status: criteria provided, single submitter. Criteria: ACMG Guidelines, 2015. Collection method: clinical testing. Allele origin: germline.

Blueprint Genetics
Classification: Likely pathogenic for DUOX2-related disorders. Last evaluated: 2023-01-05. Review status: criteria provided, single submitter. Criteria: ACMG Guidelines, 2015. Collection method: clinical testing. Allele origin: germline. Affected: yes. Observed: 2 variant alleles.

Literature cited by the submitters: PubMed 16199547 (cited by Labcorp Genetics (formerly Invitae), Labcorp); PubMed 12110737 (cited by Labcorp Genetics (formerly Invitae), Labcorp); PubMed 18765513 (cited by Labcorp Genetics (formerly Invitae), Labcorp); PubMed 21565790 (cited by Labcorp Genetics (formerly Invitae), Labcorp); PubMed 24423310 (cited by Labcorp Genetics (formerly Invitae), Labcorp); PubMed 24735383 (cited by Labcorp Genetics (formerly Invitae), Labcorp); PubMed 33729509 (cited by Labcorp Genetics (formerly Invitae), Labcorp).